The following is an entry in ClinVar:

NM_020631.6(PLEKHG5):c.1286G>C (p.Gly429Ala)

Gene: PLEKHG5 (pleckstrin homology and RhoGEF domain containing G5; minus strand). Cytogenetic location: 1p36.31.
Variant type: single nucleotide variant.
Coding change: c.1286G>C on transcript NM_020631.6 (MANE Select); coding-DNA position 1286, G replaced by C.
Protein change: p.Gly429Ala; replaces glycine 429 with alanine.
Molecular consequence: missense variant.
Genome position (GRCh38, 1-based): chr1:6,471,096, C>G on the plus strand (G>C on the coding strand, the complement: PLEKHG5 is on the minus strand). VCF-style: chr1-6471096-C-G. GRCh37 (hg19) VCF-style: chr1-6531156-C-G.
Other names: c.1397G>C, p.Gly466Ala (NM_001042663.3, NM_001265592.2); c.1286G>C, p.Gly429Ala (NM_001042664.2, NM_001042665.2, NM_001265594.3 and 1 more transcripts); c.1493G>C, p.Gly498Ala (NM_001265593.2); short protein forms G429A, G498A, G466A.
Identifiers: ClinVar variation 569921 (VCV000569921.7), dbSNP rs1304686030, ClinGen allele CA338128530.
Genomic context (GRCh38, chr1:6,471,096, plus strand): 5'-ATGTACTCCATGCAGCCCTCCTCCTCCATGCAGTAGCGGATGTAGGGCTTGAAGAGCGAG[C>G]CGAACTGGCCCGGGGCAGAACAACCACGGCGCCGGTTACCGCGCGCTCCCTGCGGGCCGG-3'
Protein context (NP_065682.2, residues 419-439): GDFLKGFKMF[Gly429Ala]SLFKPYIRYC

ClinVar aggregate classification (germline): Uncertain significance (1 of 4 stars; one submission).

Conditions:
Charcot-Marie-Tooth disease recessive intermediate C. Also called: CHARCOT-MARIE-TOOTH NEUROPATHY, RECESSIVE INTERMEDIATE C. Identifiers: Orphanet 369867, MedGen C3809309, MONDO:0014154, OMIM 615376.
Neuronopathy, distal hereditary motor, autosomal recessive 4. Also called: Autosomal recessive lower motor neuron disease with childhood onset; NEUROPATHY, DISTAL HEREDITARY MOTOR, AUTOSOMAL RECESSIVE 4. Identifiers: Orphanet 206580, MedGen C1970211, MONDO:0012608, OMIM 611067.

Allele frequency attached by ClinVar (database versions not stated): gnomAD 0.00001; gnomAD exomes 0.00001; TOPMed 0.00001.
gnomAD v4.1: 10 of 1,577,068 alleles (0.00063%); highest among the groups gnomAD compares: Non-Finnish European, 0.00077%; no homozygotes.

Submission:

Labcorp Genetics (formerly Invitae), Labcorp
Classification: Uncertain significance for Neuronopathy, distal hereditary motor, autosomal recessive 4; Charcot-Marie-Tooth disease recessive intermediate C. Last evaluated: 2025-08-03. Review status: criteria provided, single submitter. Criteria: Invitae Variant Classification Sherloc (09022015). Collection method: clinical testing. Allele origin: germline.
Comment: This sequence change replaces glycine, which is neutral and non-polar, with alanine, which is neutral and non-polar, at codon 429 of the PLEKHG5 protein (p.Gly429Ala). This variant is present in population databases (no rsID available, gnomAD 0.002%). This variant has not been reported in the literature in individuals affected with PLEKHG5-related conditions. ClinVar contains an entry for this variant (Variation ID: 569921). Invitae Evidence Modeling of protein sequence and biophysical properties (such as structural, functional, and spatial information, amino acid conservation, physicochemical variation, residue mobility, and thermodynamic stability) indicates that this missense variant is not expected to disrupt PLEKHG5 protein function with a negative predictive value of 80%. In summary, the available evidence is currently insufficient to determine the role of this variant in disease. Therefore, it has been classified as a Variant of Uncertain Significance.